The following is an entry in ClinVar:

ClinVar aggregate classification (germline): Uncertain significance. Review status: criteria provided, multiple submitters, no conflicts (2 of 4 stars). 3 submissions from 3 submitters: Uncertain significance (3). Last evaluated 2024-11-16.

Conditions:
Catecholaminergic polymorphic ventricular tachycardia (CVPT). Also called: Catecholamine-induced polymorphic ventricular tachycardia. Identifiers: Orphanet 3286, MedGen C5574922, MONDO:0017990.
Catecholaminergic polymorphic ventricular tachycardia 1. Also called: VENTRICULAR TACHYCARDIA, STRESS-INDUCED POLYMORPHIC 1; VENTRICULAR TACHYCARDIA, CATECHOLAMINERGIC POLYMORPHIC, 1, WITH OR WITHOUT ATRIAL DYSFUNCTION AND/OR DILATED CARDIOMYOPATHY; RYR2-Related Catecholaminergic Polymorphic Ventricular Tachycardia. Identifiers: Orphanet 3286, MedGen C1631597, MONDO:0011484, OMIM 604772.
Cardiomyopathy (CMYO). Also called: Cardiomyopathies. Identifiers: Orphanet 167848, MedGen C0878544, MONDO:0004994, HP:0001638. Inheritance: Various modes of inheritance.

gnomAD v4.1: 3 of 1,602,306 alleles (0.00019%); highest among the groups gnomAD compares: Non-Finnish European, 0.00026%; no homozygotes.

Submissions (3):

Labcorp Genetics (formerly Invitae), Labcorp
Classification: Uncertain significance for Catecholaminergic polymorphic ventricular tachycardia 1. Last evaluated: 2024-11-16. Review status: criteria provided, single submitter. Criteria: Invitae Variant Classification Sherloc (09022015). Collection method: clinical testing. Allele origin: germline.
Comment: This sequence change replaces glutamic acid, which is acidic and polar, with aspartic acid, which is acidic and polar, at codon 4348 of the RYR2 protein (p.Glu4348Asp). This variant is not present in population databases (gnomAD no frequency). This variant has not been reported in the literature in individuals affected with RYR2-related conditions. ClinVar contains an entry for this variant (Variation ID: 1052563). Invitae Evidence Modeling of protein sequence and biophysical properties (such as structural, functional, and spatial information, amino acid conservation, physicochemical variation, residue mobility, and thermodynamic stability) indicates that this missense variant is not expected to disrupt RYR2 protein function with a negative predictive value of 95%. In summary, the available evidence is currently insufficient to determine the role of this variant in disease. Therefore, it has been classified as a Variant of Uncertain Significance.

Color Diagnostics, LLC DBA Color Health
Classification: Uncertain significance for Cardiomyopathy. Last evaluated: 2024-03-06. Review status: criteria provided, single submitter. Criteria: ACMG Guidelines, 2015. Collection method: clinical testing. Allele origin: germline.
Comment: This missense variant replaces glutamic acid with aspartic acid at codon 4348 of the RYR2 protein. Computational prediction suggests that this variant may not impact protein structure and function (internally defined REVEL score threshold <= 0.5, PMID: 27666373). To our knowledge, functional studies have not been reported for this variant. This variant has not been reported in individuals affected with cardiovascular disorders in the literature. This variant has not been identified in the general population by the Genome Aggregation Database (gnomAD). The available evidence is insufficient to determine the role of this variant in disease conclusively. Therefore, this variant is classified as a Variant of Uncertain Significance.

All of Us Research Program, National Institutes of Health
Classification: Uncertain significance for Catecholaminergic polymorphic ventricular tachycardia. Last evaluated: 2023-03-07. Review status: criteria provided, single submitter. Criteria: ACMG Guidelines, 2015. Collection method: clinical testing. Allele origin: germline. Inheritance: Autosomal dominant inheritance. Observed: 1 variant allele, 1 heterozygote.
Comment: This missense variant replaces glutamic acid with aspartic acid at codon 4348 of the RYR2 protein. Computational prediction suggests that this variant may not impact protein structure and function (internally defined REVEL score threshold <= 0.5, PMID: 27666373). To our knowledge, functional studies have not been reported for this variant. This variant has not been reported in individuals affected with cardiovascular disorders in the literature. This variant has not been identified in the general population by the Genome Aggregation Database (gnomAD). The available evidence is insufficient to determine the role of this variant in disease conclusively. Therefore, this variant is classified as a Variant of Uncertain Significance.

This study involves interpretation of variants in research participants for the purpose of population health screening. Participant phenotype was not available at the time of variant classification. Additional details can be found in publication PMID: 35346344, PMCID: PMC8962531

NM_001035.3(RYR2):c.13044G>T (p.Glu4348Asp)

Genes: RYR2 (ryanodine receptor 2; plus strand), LOC126806068 (BRD4-independent group 4 enhancer GRCh37_chr1:237947411-237948610; plus strand). Cytogenetic location: 1q43.
Variant type: single nucleotide variant.
Coding change: c.13044G>T on transcript NM_001035.3 (MANE Select); coding-DNA position 13044, G replaced by T.
Protein change: p.Glu4348Asp; replaces glutamic acid 4348 with aspartic acid.
Molecular consequence: missense variant.
Genome position (GRCh38, 1-based): chr1:237,784,756, G>T. VCF-style: chr1-237784756-G-T. GRCh37 (hg19) VCF-style: chr1-237948056-G-T.
Other names: short protein forms E4348D.
Identifiers: ClinVar variation 1052563 (VCV001052563.13), dbSNP rs559197657, ClinGen allele CA345415099.
Genomic context (GRCh38, chr1:237,784,756, plus strand): 5'-AGAACTGTTAGCCAACATGCCAGACCCCACTCAGGATGAGGTTAGAGGAGATGGGGAGGA[G>T]GGAGAGAGGAAACCCCTGGAAGCCGCCCTGCCCTCCGAGGATCTGACCGACTTAAAGGAG-3'
Protein context (NP_001026.2, residues 4338-4358): TQDEVRGDGE[Glu4348Asp]GERKPLEAAL